The following is an entry in ClinVar:

NM_144628.4(TBC1D20):c.890A>G (p.Asp297Gly)

Gene: TBC1D20 (TBC1 domain family member 20; minus strand). Cytogenetic location: 20p13.
Variant type: single nucleotide variant.
Coding change: c.890A>G on transcript NM_144628.4 (MANE Select); coding-DNA position 890, A replaced by G.
Protein change: p.Asp297Gly; replaces aspartic acid 297 with glycine.
Molecular consequence: missense variant. On other transcripts: non-coding transcript variant (1).
Genome position (GRCh38, 1-based): chr20:439,174, T>C on the plus strand (A>G on the coding strand, the complement: TBC1D20 is on the minus strand). VCF-style: chr20-439174-T-C. GRCh37 (hg19) VCF-style: chr20-419818-T-C.
Other names: short protein forms D297G.
Identifiers: ClinVar variation 4055851 (VCV004055851.1).
Genomic context (GRCh38, chr20:439,174, plus strand): 5'-GCTTGCTGTTGGGCAGCGGCCTCCCGAGCAAGTTCGGATGGGGGAAACTGAACAAAAAGG[T>C]CTCCTGCTCTGCTGATCAGTGTCTCATAGGGCAAGTCCTGAGGGATCTGGGACAACAGGT-3'
Protein context (NP_653229.1, residues 287-307): PYETLISRAG[Asp297Gly]LFVQFPPSEL

ClinVar aggregate classification (germline): Uncertain significance (1 of 4 stars; one submission).

gnomAD v4.1: 2 of 1,613,996 alleles (0.00012%); highest among the groups gnomAD compares: Non-Finnish European, 0.000085%; no homozygotes.

Submission:

GeneDx
Classification: Uncertain significance. Last evaluated: 2024-12-31. Review status: criteria provided, single submitter. Criteria: GeneDx Variant Classification Process June 2021. Collection method: clinical testing. Allele origin: germline. Affected: yes.
Comment: Not observed at significant frequency in large population cohorts (gnomAD); In silico analysis supports that this missense variant has a deleterious effect on protein structure/function; Has not been previously published as pathogenic or benign to our knowledge